The following is an entry in ClinVar:

ClinVar aggregate classification (germline): Likely pathogenic (1 of 4 stars; one submission).

Conditions:
Leber congenital amaurosis (LCA). Also called: Leber's amaurosis. Identifiers: Orphanet 65, MedGen C0339527, MeSH D057130, MONDO:0018998.

Submission:

Natera, Inc.
Classification: Likely pathogenic for Leber congenital amaurosis. Last evaluated: 2024-09-30. Review status: criteria provided, single submitter. Criteria: Natera Variant Classification Schema (03/2026). Collection method: clinical testing. Allele origin: germline.
Comment: The c.1448_1450del variant in RPE65 is an in-frame deletion predicted to remove aspartic acid at amino acid 483 while preserving the reading frame. This variant is rare in the general population with a frequency below the threshold expected for the associated phenotype(s). This variant has been observed in one or more individuals affected with the associated recessive disease, as either homozygous or compound heterozygous with a second variant (PMID: 29033008, 26656277). This variant results in a change to the protein length while preserving reading frame, which may disrupt normal protein structure or function. Computational prediction algorithms indicate this variant is likely to affect gene or protein function. Given the available evidence, this variant is classified as Likely Pathogenic.

Literature cited by the submitters: PubMed 29033008; PubMed 26656277.

NM_000329.3(RPE65):c.1445ATG[1] (p.Asp483del)

Gene: RPE65 (retinoid isomerohydrolase RPE65; minus strand). Cytogenetic location: 1p31.3.
Variant type: Microsatellite.
Coding change: c.1445ATG[1] on transcript NM_000329.3 (MANE Select); one copy of the 3-base unit ATG starting at c.1445; the reference has two copies in a row; one copy, 3 bases deleted.
Protein change: p.Asp483del; deletes aspartic acid 483.
Molecular consequence: inframe deletion.
Genome position (GRCh38, 1-based): chr1:68,431,065-68,431,067, CAT deleted on the plus strand (ATG on the coding strand, the reverse complement: RPE65 is on the minus strand); deleting any 3 consecutive bases within chr1:68,431,065-68,431,071 gives the same sequence; the position shown is the placement nearest the transcript's 3' end. VCF-style (leftmost placement, unchanged base first): chr1-68431064-CCAT-C. GRCh37 (hg19) VCF-style: chr1-68896747-CCAT-C.
Other names: c.1169ATG[1], p.Asp391del (NM_001406857.1, NM_001406856.1); c.1337ATG[1], p.Asp447del (NM_001406853.1); short protein forms D391del, D447del, D483del.
Identifiers: ClinVar variation 4818169 (VCV004818169.1).